The following is an entry in ClinVar:

NM_000548.5(TSC2):c.2617C>G (p.Leu873Val)

Gene: TSC2 (TSC complex subunit 2; plus strand). Cytogenetic location: 16p13.3.
Variant type: single nucleotide variant.
Coding change: c.2617C>G on transcript NM_000548.5 (MANE Select); coding-DNA position 2617, C replaced by G.
Protein change: p.Leu873Val; replaces leucine 873 with valine.
Molecular consequence: missense variant.
Genome position (GRCh38, 1-based): chr16:2,075,870, C>G. VCF-style: chr16-2075870-C-G. GRCh37 (hg19) VCF-style: chr16-2125871-C-G.
Other names: c.2617C>G, p.Leu873Val (NM_001077183.3, NM_001114382.3, NM_001363528.2 and 3 more transcripts); c.2506C>G, p.Leu836Val (NM_001318827.2); c.2470C>G, p.Leu824Val (NM_001318829.2); c.2017C>G, p.Leu673Val (NM_001318831.2); c.2650C>G, p.Leu884Val (NM_001318832.2); c.2617C>G (NM_000548.3); short protein forms L673V, L824V, L836V, L873V, L884V.
Identifiers: ClinVar variation 1055364 (VCV001055364.10), dbSNP rs1555508418, ClinGen allele CA394278444.

ClinVar aggregate classification (germline): Uncertain significance. Review status: criteria provided, multiple submitters, no conflicts (2 of 4 stars). 2 submissions from 2 submitters: Uncertain significance (2). Last evaluated 2024-09-30.

Conditions:
Hereditary cancer-predisposing syndrome. Also called: Hereditary Cancer Syndrome; Tumor predisposition; Hereditary neoplastic syndrome; Neoplastic Syndromes, Hereditary. Identifiers: Orphanet 140162, MedGen C0027672, MeSH D009386, MONDO:0015356.
Tuberous sclerosis 2 (TSC2). Identifiers: Orphanet 805, MedGen C1860707, MONDO:0013199, OMIM 613254.

gnomAD v4.1: 1 of 1,613,074 alleles (0.000062%); no homozygotes.

Submissions (2):

Ambry Genetics
Classification: Uncertain significance for Hereditary cancer-predisposing syndrome. Last evaluated: 2024-09-30. Review status: criteria provided, single submitter. Criteria: Ambry Variant Classification Scheme 2023. Collection method: clinical testing. Allele origin: germline.
Comment: The p.L873V variant (also known as c.2617C>G), located in coding exon 22 of the TSC2 gene, results from a C to G substitution at nucleotide position 2617. The leucine at codon 873 is replaced by valine, an amino acid with highly similar properties. This amino acid position is conserved. In addition, this alteration is predicted to be deleterious by in silico analysis. Based on the available evidence, the clinical significance of this variant remains unclear.

Labcorp Genetics (formerly Invitae), Labcorp
Classification: Uncertain significance for Tuberous sclerosis 2. Last evaluated: 2024-03-22. Review status: criteria provided, single submitter. Criteria: Invitae Variant Classification Sherloc (09022015). Collection method: clinical testing. Allele origin: germline.
Comment: This sequence change replaces leucine, which is neutral and non-polar, with valine, which is neutral and non-polar, at codon 873 of the TSC2 protein (p.Leu873Val). This variant is not present in population databases (gnomAD no frequency). This variant has not been reported in the literature in individuals affected with TSC2-related conditions. ClinVar contains an entry for this variant (Variation ID: 1055364). Advanced modeling of protein sequence and biophysical properties (such as structural, functional, and spatial information, amino acid conservation, physicochemical variation, residue mobility, and thermodynamic stability) performed at Invitae indicates that this missense variant is not expected to disrupt TSC2 protein function with a negative predictive value of 95%. In summary, the available evidence is currently insufficient to determine the role of this variant in disease. Therefore, it has been classified as a Variant of Uncertain Significance.